The following is an entry in ClinVar:

NM_001005337.3(PKP1):c.720C>T (p.Ile240=)

Gene: PKP1 (plakophilin 1; plus strand). Cytogenetic location: 1q32.1.
Variant type: single nucleotide variant.
Coding change: c.720C>T on transcript NM_001005337.3 (MANE Select); coding-DNA position 720, C replaced by T.
Protein change: p.Ile240=; no amino-acid change (isoleucine 240 retained).
Molecular consequence: synonymous variant.
Genome position (GRCh38, 1-based): chr1:201,316,571, C>T. VCF-style: chr1-201316571-C-T. GRCh37 (hg19) VCF-style: chr1-201285699-C-T.
Other names: c.720C>T (NM_001005337.2); c.720C>T, p.Ile240= (NM_000299.4).
Identifiers: ClinVar variation 2722373 (VCV002722373.4), dbSNP rs201629569, ClinGen allele CA1324172.

ClinVar aggregate classification (germline): Benign/Likely benign. Review status: criteria provided, multiple submitters, no conflicts (2 of 4 stars). 2 submissions from 2 submitters: Benign (1); Likely benign (1). Last evaluated 2026-01-08.

Conditions:
PKP1-related disorder. Also called: PKP1-related condition.

Allele frequency attached by ClinVar (database versions not stated): gnomAD exomes 0.00016; gnomAD 0.00018; TOPMed 0.00022; 1000 Genomes Project 30x 0.00062; ExAC 0.00078; 1000 Genomes Project 0.00080.
gnomAD v4.1: 259 of 1,609,502 alleles (0.016%); highest among the groups gnomAD compares: East Asian, 0.49%; no homozygotes.

Submissions (2):

Labcorp Genetics (formerly Invitae), Labcorp
Classification: Benign. Last evaluated: 2026-01-08. Review status: criteria provided, single submitter. Criteria: Invitae Variant Classification Sherloc (09022015). Collection method: clinical testing. Allele origin: germline.

PreventionGenetics, part of Exact Sciences
Classification: Likely benign for PKP1-related condition. Last evaluated: 2025-04-18. Review status: criteria provided, single submitter. Criteria: ACMG Guidelines, 2015. Collection method: clinical testing. Allele origin: germline.
Comment: This variant is classified as likely benign based on ACMG/AMP sequence variant interpretation guidelines (Richards et al. 2015 PMID: 25741868, with internal and published modifications).